The following is an entry in ClinVar:

NM_020822.3(KCNT1):c.1955G>A (p.Gly652Glu)

Gene: KCNT1 (potassium sodium-activated channel subfamily T member 1; plus strand). Cytogenetic location: 9q34.3.
Variant type: single nucleotide variant.
Coding change: c.1955G>A on transcript NM_020822.3 (MANE Select); coding-DNA position 1955, G replaced by A.
Protein change: p.Gly652Glu; replaces glycine 652 with glutamic acid.
Molecular consequence: missense variant.
Genome position (GRCh38, 1-based): chr9:135,771,042, G>A. VCF-style: chr9-135771042-G-A. GRCh37 (hg19) VCF-style: chr9-138662888-G-A.
Other names: c.1820G>A, p.Gly607Glu (NM_001272003.2); short protein forms G607E, G652E.
Identifiers: ClinVar variation 1000542 (VCV001000542.9), dbSNP rs536588045, ClinGen allele CA375508699.

ClinVar aggregate classification (germline): Uncertain significance (1 of 4 stars; one submission).

Conditions:
Autosomal dominant nocturnal frontal lobe epilepsy 5. Also called: KCNT1-Related Epilepsy; CILIARY DYSKINESIA, PRIMARY, 28, WITHOUT SITUS INVERSUS; CILIARY DYSKINESIA, PRIMARY, 28, WITH SITUS INVERSUS; Epilepsy, nocturnal frontal lobe, 5. Identifiers: Orphanet 98784, MedGen C3554306, MONDO:0014002, OMIM 615005.
Developmental and epileptic encephalopathy, 14 (DEE14). Also called: Early infantile epileptic encephalopathy 14. Identifiers: Orphanet 293181, MedGen C3554195, MONDO:0013989, OMIM 614959.

Submission:

Labcorp Genetics (formerly Invitae), Labcorp
Classification: Uncertain significance for Autosomal dominant nocturnal frontal lobe epilepsy 5; Developmental and epileptic encephalopathy, 14. Last evaluated: 2024-09-15. Review status: criteria provided, single submitter. Criteria: Invitae Variant Classification Sherloc (09022015). Collection method: clinical testing. Allele origin: germline.
Comment: This sequence change replaces glycine, which is neutral and non-polar, with glutamic acid, which is acidic and polar, at codon 652 of the KCNT1 protein (p.Gly652Glu). This variant is present in population databases (no rsID available, gnomAD 0.003%). This variant has not been reported in the literature in individuals affected with KCNT1-related conditions. ClinVar contains an entry for this variant (Variation ID: 1000542). Invitae Evidence Modeling of protein sequence and biophysical properties (such as structural, functional, and spatial information, amino acid conservation, physicochemical variation, residue mobility, and thermodynamic stability) indicates that this missense variant is not expected to disrupt KCNT1 protein function with a negative predictive value of 80%. In summary, the available evidence is currently insufficient to determine the role of this variant in disease. Therefore, it has been classified as a Variant of Uncertain Significance.